The following is an entry in ClinVar:

ClinVar aggregate classification (germline): Uncertain significance (1 of 4 stars; one submission).

Conditions:
Gingival disorder. Also called: Gingival disease. Identifiers: MedGen C0017563, MONDO:0002021.

Allele frequency attached by ClinVar (database versions not stated): ExAC 0.00001; gnomAD 0.00001; gnomAD exomes 0.00001; TOPMed 0.00001.

Submission:

Labcorp Genetics (formerly Invitae), Labcorp
Classification: Uncertain significance for Gingival disorder. Last evaluated: 2025-01-14. Review status: criteria provided, single submitter. Criteria: Invitae Variant Classification Sherloc (09022015). Collection method: clinical testing. Allele origin: germline.
Comment: This sequence change replaces arginine, which is basic and polar, with glutamine, which is neutral and polar, at codon 241 of the FPR1 protein (p.Arg241Gln). This variant is present in population databases (rs752836535, gnomAD 0.007%). This variant has not been reported in the literature in individuals affected with FPR1-related conditions. ClinVar contains an entry for this variant (Variation ID: 950010). An algorithm developed to predict the effect of missense changes on protein structure and function (PolyPhen-2) suggests that this variant is likely to be disruptive. In summary, the available evidence is currently insufficient to determine the role of this variant in disease. Therefore, it has been classified as a Variant of Uncertain Significance.

NM_002029.4(FPR1):c.722G>A (p.Arg241Gln)

Gene: FPR1 (formyl peptide receptor 1; minus strand). Cytogenetic location: 19q13.41.
Variant type: single nucleotide variant.
Coding change: c.722G>A on transcript NM_002029.4 (MANE Select); coding-DNA position 722, G replaced by A.
Protein change: p.Arg241Gln; replaces arginine 241 with glutamine.
Molecular consequence: missense variant.
Genome position (GRCh38, 1-based): chr19:51,746,273, C>T on the plus strand (G>A on the coding strand, the complement: FPR1 is on the minus strand). VCF-style: chr19-51746273-C-T. GRCh37 (hg19) VCF-style: chr19-52249526-C-T.
Other names: c.722G>A, p.Arg241Gln (NM_001193306.2); short protein forms R241Q.
Identifiers: ClinVar variation 950010 (VCV000950010.11), dbSNP rs752836535, ClinGen allele CA9616397.
Genomic context (GRCh38, chr19:51,746,273, plus strand): 5'-GCCACCACCTGATATGGGGACCAGCAGAGAAAAAAGGCTGCTGCGACAAAGGAGAGGACC[C>T]GTAAGGGACGACTGGACTTAATCAAGCCTTGCTTGTGGATCTTGGTGGCAATAAGCCCAT-3'
Protein context (NP_002020.1, residues 231-251): QGLIKSSRPL[Arg241Gln]VLSFVAAAFF